The following is an entry in ClinVar:

NM_000419.5(ITGA2B):c.620C>T (p.Thr207Ile)

Gene: ITGA2B (integrin subunit alpha 2b; minus strand). Cytogenetic location: 17q21.31.
Variant type: single nucleotide variant.
Coding change: c.620C>T on transcript NM_000419.5 (MANE Select); coding-DNA position 620, C replaced by T.
Protein change: p.Thr207Ile; replaces threonine 207 with isoleucine.
Molecular consequence: missense variant.
Genome position (GRCh38, 1-based): chr17:44,385,290, G>A on the plus strand (C>T on the coding strand, the complement: ITGA2B is on the minus strand). VCF-style: chr17-44385290-G-A. GRCh37 (hg19) VCF-style: chr17-42462658-G-A.
Other names: NM_000419.5:c.620C>T; short protein forms T207I.
Identifiers: ClinVar variation 1330317 (VCV001330317.1), dbSNP rs2143485911, ClinGen allele CA399805570.

ClinVar aggregate classification (germline): Likely pathogenic (3 of 4 stars; one submission).

Conditions:
Glanzmann thrombasthenia. Also called: THROMBASTHENIA OF GLANZMANN AND NAEGELI; BLEEDING DISORDER, PLATELET-TYPE, 2; Thrombasthenia; PLATELET GLYCOPROTEIN IIb-IIIa DEFICIENCY; Glanzmann's thrombasthenia. Identifiers: Orphanet 849, MedGen C0040015, MONDO:0100326.

Allele frequency attached by ClinVar (database versions not stated): gnomAD exomes below 0.00001.
gnomAD v4.1: 1 of 1,613,386 alleles (0.000062%); highest among the groups gnomAD compares: South Asian, 0.0011%; no homozygotes.

Submission:

ClinGen Platelet Disorders Variant Curation Expert Panel, ClinGen
Classification: Likely pathogenic for Glanzmann thrombasthenia. Last evaluated: 2021-11-04. Review status: reviewed by expert panel. Criteria: ClinGen Platelet ACMG Specifications v2. Collection method: curation. Allele origin: germline. Inheritance: Autosomal recessive inheritance.
Comment: The NM_000419.5(ITGA2B):c.620C>T (p.Thr207Ile) missense variant has been reported in at least one Glanzmann thrombasthenia patient (PMIDs: 21113249, 15543332). Patient OK displayed mucocutaneous bleeding and impaired aggregation with all agonists except ristocetin, which is highly specific for Glanzmann thrombasthenia . Additionally, αIIbβ3 surface expression was reduced to 4%, as measured by flow cytometry, and there was<1% binding to PAC-1. (PP4_strong). This variant is absent from gnomAD v2.1.1 (PM2_Supporting). The computational predictor REVEL gives a score of 0.729 (PP3). In summary, this variant meets the criteria to be classified as Likely Pathogenic for autosomal recessive Glanzmann Thrombasthenia based on the ACMG/AMP criteria applied, as specified by the ClinGen PD VCEP: PP4_strong, PM3_supporting, PM2_supporitng, PP3. (VCEP specifications version 2; date of approval 11/04/2021)